The following is an entry in ClinVar:

NM_000094.4(COL7A1):c.267-20C>G

Gene: COL7A1 (collagen type VII alpha 1 chain; minus strand). Cytogenetic location: 3p21.31.
Variant type: single nucleotide variant.
Coding change: c.267-20C>G on transcript NM_000094.4 (MANE Select); 20 bases into the intron before coding-DNA position 267, C replaced by G.
Molecular consequence: intron variant.
Genome position (GRCh38, 1-based): chr3:48,593,716, G>C on the plus strand (C>G on the coding strand, the complement: COL7A1 is on the minus strand). VCF-style: chr3-48593716-G-C. GRCh37 (hg19) VCF-style: chr3-48631149-G-C.
Identifiers: ClinVar variation 3628693 (VCV003628693.2).
Genomic context (GRCh38, chr3:48,593,716, plus strand): 5'-CATCACCCCCAGAGCCAAGTGCATCCAGGCCGAACTCTGTCCTGTTGGAGGGTAGGGGTG[G>C]CAACAGGCTAGGACTCAGGATCTCTTCTGGCCCTGGCCTTGAGGAGGCCTCTAGGGTGAG-3'

ClinVar aggregate classification (germline): Uncertain significance (1 of 4 stars; one submission).

gnomAD v4.1: 2 of 1,614,074 alleles (0.00012%); highest among the groups gnomAD compares: Non-Finnish European, 0.00017%; no homozygotes.

Submission:

Labcorp Genetics (formerly Invitae), Labcorp
Classification: Uncertain significance. Last evaluated: 2024-07-05. Review status: criteria provided, single submitter. Criteria: Invitae Variant Classification Sherloc (09022015). Collection method: clinical testing. Allele origin: germline.
Comment: This sequence change falls in intron 2 of the COL7A1 gene. It does not directly change the encoded amino acid sequence of the COL7A1 protein. This variant is present in population databases (no rsID available, gnomAD no frequency). This variant has not been reported in the literature in individuals affected with COL7A1-related conditions. Algorithms developed to predict the effect of sequence changes on RNA splicing suggest that this variant may disrupt the consensus splice site. In summary, the available evidence is currently insufficient to determine the role of this variant in disease. Therefore, it has been classified as a Variant of Uncertain Significance.